The following is an entry in ClinVar:

ClinVar aggregate classification (germline): Uncertain significance (1 of 4 stars; one submission).

Submission:

Labcorp Genetics (formerly Invitae), Labcorp
Classification: Uncertain significance. Last evaluated: 2025-04-11. Review status: criteria provided, single submitter. Criteria: Invitae Variant Classification Sherloc (09022015). Collection method: clinical testing. Allele origin: germline.
Comment: This sequence change replaces valine, which is neutral and non-polar, with isoleucine, which is neutral and non-polar, at codon 797 of the COL11A2 protein (p.Val797Ile). This variant is not present in population databases (gnomAD no frequency). This variant has not been reported in the literature in individuals affected with COL11A2-related conditions. Invitae Evidence Modeling of protein sequence and biophysical properties (such as structural, functional, and spatial information, amino acid conservation, physicochemical variation, residue mobility, and thermodynamic stability) indicates that this missense variant is not expected to disrupt COL11A2 protein function with a negative predictive value of 95%. In summary, the available evidence is currently insufficient to determine the role of this variant in disease. Therefore, it has been classified as a Variant of Uncertain Significance.

NM_080680.3(COL11A2):c.2389G>A (p.Val797Ile)

Gene: COL11A2 (collagen type XI alpha 2 chain; minus strand). Cytogenetic location: 6p21.32.
Variant type: single nucleotide variant.
Coding change: c.2389G>A on transcript NM_080680.3 (MANE Select); coding-DNA position 2389, G replaced by A.
Protein change: p.Val797Ile; replaces valine 797 with isoleucine.
Molecular consequence: missense variant.
Genome position (GRCh38, 1-based): chr6:33,174,568, C>T on the plus strand (G>A on the coding strand, the complement: COL11A2 is on the minus strand). VCF-style: chr6-33174568-C-T. GRCh37 (hg19) VCF-style: chr6-33142345-C-T.
Other names: c.2209G>A, p.Val737Ile (NM_001424108.1); c.1543G>A, p.Val515Ile (NM_001424109.1); c.1363G>A, p.Val455Ile (NM_001424110.1, NM_001424111.1); c.343G>A, p.Val115Ile (NM_001424112.1); c.2068G>A, p.Val690Ile (NM_080679.3); c.2131G>A, p.Val711Ile (NM_080681.3); short protein forms V115I, V455I, V515I, V690I, V711I, V737I, V797I.
Identifiers: ClinVar variation 4801321 (VCV004801321.1).
Genomic context (GRCh38, chr6:33,174,568, plus strand): 5'-GTATGGGGCATGGCATCACCTTGGGTCCCTGACGTCCAGGATAGCCAGGCAGACCAGGAA[C>T]ACCCAGCTTGCCCTGTGGAGGGACAGGAAGCAGTTAGGAGTGAGAGGAGGCCCAGATGCC-3'
Protein context (NP_542411.2, residues 787-807): GLMGEKGKLG[Val797Ile]PGLPGYPGRQ